The following is an entry in ClinVar:

NM_000246.4(CIITA):c.1615C>T (p.Arg539Ter)

Gene: CIITA (class II major histocompatibility complex transactivator; plus strand). Cytogenetic location: 16p13.13.
Variant type: single nucleotide variant.
Coding change: c.1615C>T on transcript NM_000246.4 (MANE Select); coding-DNA position 1615, C replaced by T.
Protein change: p.Arg539Ter; replaces arginine 539 with a stop codon.
Molecular consequence: nonsense. On other transcripts: intron variant (1).
Genome position (GRCh38, 1-based): chr16:10,907,107, C>T. VCF-style: chr16-10907107-C-T. GRCh37 (hg19) VCF-style: chr16-11000964-C-T.
Other names: c.1618C>T, p.Arg540Ter (NM_001286402.1, NM_001379332.1); c.1471C>T, p.Arg491Ter (NM_001379330.1); c.1468C>T, p.Arg490Ter (NM_001379331.1); c.1615C>T, p.Arg539Ter (NM_001379333.1); c.1546C>T, p.Arg516Ter (NM_001379334.1); c.860-1876C>T (NM_001286403.2); short protein forms R490*, R491*, R540*, R516*, R539*.
Identifiers: ClinVar variation 2009672 (VCV002009672.5), dbSNP rs751733167, ClinGen allele CA394731242.

ClinVar aggregate classification (germline): Pathogenic/Likely pathogenic. Review status: criteria provided, multiple submitters, no conflicts (2 of 4 stars). 2 submissions from 2 submitters: Pathogenic (1); Likely pathogenic (1). Last evaluated 2024-10-01.

Conditions:
MHC class II deficiency. Also called: Bare lymphocyte syndrome 2; BLS, TYPE II. Identifiers: Orphanet 572, MedGen C5447452, MONDO:0008855.

gnomAD v4.1: 4 of 1,610,464 alleles (0.00025%); highest among the groups gnomAD compares: East Asian, 0.0022%; no homozygotes.

Submissions (2):

Labcorp Genetics (formerly Invitae), Labcorp
Classification: Pathogenic for MHC class II deficiency. Last evaluated: 2024-10-01. Review status: criteria provided, single submitter. Criteria: Invitae Variant Classification Sherloc (09022015). Collection method: clinical testing. Allele origin: germline.
Comment: This sequence change creates a premature translational stop signal (p.Arg539*) in the CIITA gene. It is expected to result in an absent or disrupted protein product. Loss-of-function variants in CIITA are known to be pathogenic (PMID: 8402893, 9099848, 26271388). This variant is not present in population databases (gnomAD no frequency). This variant has not been reported in the literature in individuals affected with CIITA-related conditions. ClinVar contains an entry for this variant (Variation ID: 2009672). For these reasons, this variant has been classified as Pathogenic.

Natera, Inc.
Classification: Likely pathogenic for Bare lymphocyte syndrome type II. Last evaluated: 2024-08-12. Review status: criteria provided, single submitter. Criteria: Natera Variant Classification Schema (03/2026). Collection method: clinical testing. Allele origin: germline.
Comment: The c.1615C>T variant in CIITA is a nonsense variant predicted to introduce a stop codon at amino acid 539. This variant is expected to result in nonsense mediated decay, truncation, or a dysfunctional protein product. This variant is rare in the general population with a frequency below the threshold expected for the associated phenotype(s). Given the available evidence, this variant is classified as Likely Pathogenic.

Literature cited by the submitters: PubMed 8402893 (cited by Labcorp Genetics (formerly Invitae), Labcorp); PubMed 9099848 (cited by Labcorp Genetics (formerly Invitae), Labcorp); PubMed 26271388 (cited by Labcorp Genetics (formerly Invitae), Labcorp).